The following is an entry in ClinVar:

ClinVar aggregate classification (germline): Uncertain significance. Review status: criteria provided, multiple submitters, no conflicts (2 of 4 stars). 2 submissions from 2 submitters: Uncertain significance (2). Last evaluated 2024-07-07.

Conditions:
Hereditary cancer-predisposing syndrome. Also called: Tumor predisposition; Hereditary neoplastic syndrome; Hereditary Cancer Syndrome; Neoplastic Syndromes, Hereditary. Identifiers: Orphanet 140162, MedGen C0027672, MeSH D009386, MONDO:0015356.

Submissions (2):

Ambry Genetics
Classification: Uncertain significance for Hereditary cancer-predisposing syndrome. Last evaluated: 2024-07-07. Review status: criteria provided, single submitter. Criteria: Ambry Variant Classification Scheme 2023. Collection method: clinical testing. Allele origin: germline.
Comment: The p.G1860R variant (also known as c.5578G>A), located in coding exon 41 of the POLE gene, results from a G to A substitution at nucleotide position 5578. The glycine at codon 1860 is replaced by arginine, an amino acid with dissimilar properties. This amino acid position is conserved. In addition, this alteration is predicted to be deleterious by in silico analysis. Based on the available evidence, the clinical significance of this variant remains unclear.

Labcorp Genetics (formerly Invitae), Labcorp
Classification: Uncertain significance. Last evaluated: 2024-06-05. Review status: criteria provided, single submitter. Criteria: Invitae Variant Classification Sherloc (09022015). Collection method: clinical testing. Allele origin: germline.
Comment: This sequence change replaces glycine, which is neutral and non-polar, with arginine, which is basic and polar, at codon 1860 of the POLE protein (p.Gly1860Arg). This variant is not present in population databases (gnomAD no frequency). This variant has not been reported in the literature in individuals affected with POLE-related conditions. ClinVar contains an entry for this variant (Variation ID: 963642). Advanced modeling of protein sequence and biophysical properties (such as structural, functional, and spatial information, amino acid conservation, physicochemical variation, residue mobility, and thermodynamic stability) performed at Invitae indicates that this missense variant is expected to disrupt POLE protein function with a positive predictive value of 80%. In summary, the available evidence is currently insufficient to determine the role of this variant in disease. Therefore, it has been classified as a Variant of Uncertain Significance.

NM_006231.4(POLE):c.5578G>A (p.Gly1860Arg)

Gene: POLE (DNA polymerase epsilon, catalytic subunit; minus strand). Cytogenetic location: 12q24.33.
Variant type: single nucleotide variant.
Coding change: c.5578G>A on transcript NM_006231.4 (MANE Select); coding-DNA position 5578, G replaced by A.
Protein change: p.Gly1860Arg; replaces glycine 1860 with arginine.
Molecular consequence: missense variant.
Genome position (GRCh38, 1-based): chr12:132,638,114, C>T on the plus strand (G>A on the coding strand, the complement: POLE is on the minus strand). VCF-style: chr12-132638114-C-T. GRCh37 (hg19) VCF-style: chr12-133214700-C-T.
Other names: c.5578G>A (NM_006231.2); short protein forms G1860R.
Identifiers: ClinVar variation 963642 (VCV000963642.10), dbSNP rs144343630, ClinGen allele CA387374171.
Genomic context (GRCh38, chr12:132,638,114, plus strand): 5'-CACGGCGCTTCTTTGTACAGAGGATGATGCGGTTGAAGTTGGCGTAGATGACTGATGACC[C>T]CAGGCGCTTGAACTCAGCGATGAGCCTGTGGAGCAAGTTGAGAGTCCGTGGTGGAGACGC-3'
Protein context (NP_006222.2, residues 1850-1870): LQLIAEFKRL[Gly1860Arg]SSVIYANFNR